The following is an entry in ClinVar:

NM_003664.5(AP3B1):c.104G>T (p.Gly35Val)

Gene: AP3B1 (adaptor related protein complex 3 subunit beta 1; minus strand). Cytogenetic location: 5q14.1.
Variant type: single nucleotide variant.
Coding change: c.104G>T on transcript NM_003664.5 (MANE Select); coding-DNA position 104, G replaced by T.
Protein change: p.Gly35Val; replaces glycine 35 with valine.
Molecular consequence: missense variant. On other transcripts: 5 prime UTR variant (1).
Genome position (GRCh38, 1-based): chr5:78,294,476, C>A on the plus strand (G>T on the coding strand, the complement: AP3B1 is on the minus strand). VCF-style: chr5-78294476-C-A. GRCh37 (hg19) VCF-style: chr5-77590300-C-A.
Other names: c.-56G>T (NM_001271769.2); short protein forms G35V.
Identifiers: ClinVar variation 1346300 (VCV001346300.8), dbSNP rs1749668081, ClinGen allele CA360334459.

ClinVar aggregate classification (germline): Uncertain significance (1 of 4 stars; one submission).

Conditions:
Hermansky-Pudlak syndrome 2 (HPS2). Also called: Platelet defects and oculocutaneous albinism. Identifiers: Orphanet 183678, Orphanet 79430, MedGen C1842362, MONDO:0011997, OMIM 608233.

Allele frequency attached by ClinVar (database versions not stated): gnomAD 0.00001; TOPMed 0.00001.
gnomAD v4.1: 2 of 1,614,114 alleles (0.00012%); highest among the groups gnomAD compares: Admixed American, 0.0017%; no homozygotes.

Submission:

Labcorp Genetics (formerly Invitae), Labcorp
Classification: Uncertain significance for Hermansky-Pudlak syndrome 2. Last evaluated: 2024-11-04. Review status: criteria provided, single submitter. Criteria: Invitae Variant Classification Sherloc (09022015). Collection method: clinical testing. Allele origin: germline.
Comment: This sequence change replaces glycine, which is neutral and non-polar, with valine, which is neutral and non-polar, at codon 35 of the AP3B1 protein (p.Gly35Val). This variant is not present in population databases (gnomAD no frequency). This variant has not been reported in the literature in individuals affected with AP3B1-related conditions. ClinVar contains an entry for this variant (Variation ID: 1346300). An algorithm developed to predict the effect of missense changes on protein structure and function (PolyPhen-2) suggests that this variant is likely to be tolerated. In summary, the available evidence is currently insufficient to determine the role of this variant in disease. Therefore, it has been classified as a Variant of Uncertain Significance.